The following is an entry in ClinVar:

ClinVar aggregate classification (germline): Uncertain significance. Review status: criteria provided, multiple submitters, no conflicts (2 of 4 stars). 2 submissions from 2 submitters: Uncertain significance (2). Last evaluated 2025-07-07.

Conditions:
RASopathy. Also called: Noonan spectrum disorder; rasopathies. Identifiers: Orphanet 536391, MedGen C5555857, MONDO:0021060.
CBL-related disorder. Also called: NOONAN SYNDROME-LIKE DISORDER WITHOUT JUVENILE MYELOMONOCYTIC LEUKEMIA; CBL MUTATION-ASSOCIATED SYNDROME; CBL SYNDROME. Identifiers: Orphanet 363972, MedGen C3150803, MONDO:0013308, OMIM 613563.

Allele frequency attached by ClinVar (database versions not stated): ExAC 0.00001; gnomAD 0.00001; TOPMed 0.00001; gnomAD exomes 0.00002.
gnomAD v4.1: 25 of 1,613,886 alleles (0.0015%); highest among the groups gnomAD compares: East Asian, 0.051%; no homozygotes.

Submissions (2):

Labcorp Genetics (formerly Invitae), Labcorp
Classification: Uncertain significance for RASopathy. Last evaluated: 2025-07-07. Review status: criteria provided, single submitter. Criteria: Invitae Variant Classification Sherloc (09022015). Collection method: clinical testing. Allele origin: germline.
Comment: This sequence change replaces glycine, which is neutral and non-polar, with arginine, which is basic and polar, at codon 638 of the CBL protein (p.Gly638Arg). This variant is present in population databases (rs772002109, gnomAD 0.02%). This variant has not been reported in the literature in individuals affected with CBL-related conditions. ClinVar contains an entry for this variant (Variation ID: 2898543). Invitae Evidence Modeling of protein sequence and biophysical properties (such as structural, functional, and spatial information, amino acid conservation, physicochemical variation, residue mobility, and thermodynamic stability) indicates that this missense variant is not expected to disrupt CBL protein function with a negative predictive value of 95%. In summary, the available evidence is currently insufficient to determine the role of this variant in disease. Therefore, it has been classified as a Variant of Uncertain Significance.

PreventionGenetics, part of Exact Sciences
Classification: Uncertain significance for CBL-related condition. Last evaluated: 2025-06-25. Review status: criteria provided, single submitter. Criteria: ACMG Guidelines, 2015. Collection method: clinical testing. Allele origin: germline.
Comment: The CBL c.1912G>A variant is predicted to result in the amino acid substitution p.Gly638Arg. To our knowledge, this variant has not been reported in the literature. This variant is reported in 0.016% of alleles in individuals of East Asian descent in gnomAD. At this time, the clinical significance of this variant is uncertain due to the absence of conclusive functional and genetic evidence.

NM_005188.4(CBL):c.1912G>A (p.Gly638Arg)

Gene: CBL (Cbl proto-oncogene; plus strand). Cytogenetic location: 11q23.3.
Variant type: single nucleotide variant.
Coding change: c.1912G>A on transcript NM_005188.4 (MANE Select); coding-DNA position 1912, G replaced by A.
Protein change: p.Gly638Arg; replaces glycine 638 with arginine.
Molecular consequence: missense variant.
Genome position (GRCh38, 1-based): chr11:119,285,537, G>A. VCF-style: chr11-119285537-G-A. GRCh37 (hg19) VCF-style: chr11-119156247-G-A.
Other names: short protein forms G638R.
Identifiers: ClinVar variation 2898543 (VCV002898543.4), dbSNP rs772002109, ClinGen allele CA6318622.